The following is an entry in ClinVar:

ClinVar aggregate classification (germline): Uncertain significance (1 of 4 stars; one submission).

Submission:

Ambry Genetics
Classification: Uncertain significance. Last evaluated: 2025-06-10. Review status: criteria provided, single submitter. Criteria: Ambry Variant Classification Scheme 2023. Collection method: clinical testing. Allele origin: germline.
Comment: The p.P1682L variant (also known as c.5045C>T), located in coding exon 44 of the KIF1B gene, results from a C to T substitution at nucleotide position 5045. The proline at codon 1682 is replaced by leucine, an amino acid with similar properties. This amino acid position is conserved. In addition, this alteration is predicted to be deleterious by in silico analysis. Based on the available evidence, the clinical significance of this variant remains unclear.

NM_001365951.3(KIF1B):c.5183C>T (p.Pro1728Leu)

Gene: KIF1B (kinesin family member 1B; plus strand). Cytogenetic location: 1p36.22.
Variant type: single nucleotide variant.
Coding change: c.5183C>T on transcript NM_001365951.3 (MANE Select); coding-DNA position 5183, C replaced by T.
Protein change: p.Pro1728Leu; replaces proline 1728 with leucine.
Molecular consequence: missense variant.
Genome position (GRCh38, 1-based): chr1:10,374,940, C>T. VCF-style: chr1-10374940-C-T. GRCh37 (hg19) VCF-style: chr1-10434998-C-T.
Other names: c.5183C>T, p.Pro1728Leu (NM_001365952.1); c.5045C>T, p.Pro1682Leu (NM_015074.3); short protein forms P1728L, P1682L.
Identifiers: ClinVar variation 4043171 (VCV004043171.1).